The following is an entry in ClinVar:

ClinVar aggregate classification (germline): Uncertain significance (1 of 4 stars; one submission).

Conditions:
Familial thoracic aortic aneurysm and aortic dissection (TAAD). Also called: Thoracic aortic aneurysms and dissections. Identifiers: Orphanet 91387, MedGen C4707243, MONDO:0019625.

Submission:

Ambry Genetics
Classification: Uncertain significance for Familial thoracic aortic aneurysm and aortic dissection. Last evaluated: 2025-05-14. Review status: criteria provided, single submitter. Criteria: Ambry Variant Classification Scheme 2023. Collection method: clinical testing. Allele origin: germline.
Comment: The p.P387S variant (also known as c.1159C>T), located in coding exon 7 of the TGFB2 gene, results from a C to T substitution at nucleotide position 1159. The proline at codon 387 is replaced by serine, an amino acid with similar properties. This amino acid position is conserved. In addition, the in silico prediction for this alteration is inconclusive. Based on the available evidence, the clinical significance of this variant remains unclear.

NM_003238.6(TGFB2):c.1159C>T (p.Pro387Ser)

Gene: TGFB2 (transforming growth factor beta 2; plus strand). Cytogenetic location: 1q41.
Variant type: single nucleotide variant.
Coding change: c.1159C>T on transcript NM_003238.6 (MANE Select); coding-DNA position 1159, C replaced by T.
Protein change: p.Pro387Ser; replaces proline 387 with serine.
Molecular consequence: missense variant. On other transcripts: non-coding transcript variant (2).
Genome position (GRCh38, 1-based): chr1:218,441,276, C>T. VCF-style: chr1-218441276-C-T. GRCh37 (hg19) VCF-style: chr1-218614618-C-T.
Other names: c.1243C>T, p.Pro415Ser (NM_001135599.4); short protein forms P387S, P415S.
Identifiers: ClinVar variation 3968063 (VCV003968063.1).
Genomic context (GRCh38, chr1:218,441,276, plus strand): 5'-TATAATACCATAAATCCAGAAGCATCTGCTTCTCCTTGCTGCGTGTCCCAAGATTTAGAA[C>T]CTCTAACCATTCTCTACTACATTGGCAAAACACCCAAGATTGAACAGCTTTCTAATATGA-3'
Protein context (NP_003229.1, residues 377-397): SPCCVSQDLE[Pro387Ser]LTILYYIGKT